The following is an entry in ClinVar:

ClinVar aggregate classification (germline): Uncertain significance (1 of 4 stars; one submission).

gnomAD v4.1: 137 of 1,614,040 alleles (0.0085%); highest among the groups gnomAD compares: Non-Finnish European, 0.011%; no homozygotes.

Submission:

Labcorp Genetics (formerly Invitae), Labcorp
Classification: Uncertain significance. Last evaluated: 2024-12-23. Review status: criteria provided, single submitter. Criteria: Invitae Variant Classification Sherloc (09022015). Collection method: clinical testing. Allele origin: germline.
Comment: This sequence change replaces aspartic acid, which is acidic and polar, with asparagine, which is neutral and polar, at codon 565 of the TRPV6 protein (p.Asp565Asn). This variant is present in population databases (rs754312313, gnomAD 0.006%). This variant has not been reported in the literature in individuals affected with TRPV6-related conditions. An algorithm developed to predict the effect of missense changes on protein structure and function outputs the following: PolyPhen-2: "Not Available". The asparagine amino acid residue is found in multiple mammalian species, which suggests that this missense change does not adversely affect protein function. In summary, the available evidence is currently insufficient to determine the role of this variant in disease. Therefore, it has been classified as a Variant of Uncertain Significance.

NM_018646.6(TRPV6):c.1693G>A (p.Asp565Asn)

Gene: TRPV6 (transient receptor potential cation channel subfamily V member 6; minus strand). Cytogenetic location: 7q34.
Variant type: single nucleotide variant.
Coding change: c.1693G>A on transcript NM_018646.6 (MANE Select); coding-DNA position 1693, G replaced by A.
Protein change: p.Asp565Asn; replaces aspartic acid 565 with asparagine.
Molecular consequence: missense variant.
Genome position (GRCh38, 1-based): chr7:142,873,663, C>T on the plus strand (G>A on the coding strand, the complement: TRPV6 is on the minus strand). VCF-style: chr7-142873663-C-T. GRCh37 (hg19) VCF-style: chr7-142571416-C-T.
Other names: short protein forms D565N.
Identifiers: ClinVar variation 3624189 (VCV003624189.2).